The following is an entry in ClinVar:

ClinVar aggregate classification (germline): Pathogenic. Review status: criteria provided, multiple submitters, no conflicts (2 of 4 stars). 2 submissions from 2 submitters: Pathogenic (2). Last evaluated 2025-10-20.

Conditions:
Metachromatic leukodystrophy (MLD). Also called: ARSA DEFICIENCY; CEREBROSIDE SULFATASE DEFICIENCY; METACHROMATIC LEUKOENCEPHALOPATHY; SULFATIDE LIPIDOSIS; Cerebral sclerosis diffuse metachromatic form; Arylsulfatase A Deficiency. Identifiers: Orphanet 512, MedGen C0023522, MONDO:0018868, OMIM 250100.

Submissions (2):

Myriad Genetics, Inc.
Classification: Pathogenic for Metachromatic leukodystrophy. Last evaluated: 2025-10-20. Review status: criteria provided, single submitter. Criteria: Myriad Autosomal Dominant, Autosomal Recessive and X-Linked Classification Criteria (2023). Collection method: clinical testing. Allele origin: unknown.
Comment: NM_000487.5(ARSA):c.264delC(M89Cfs*19) is a frameshift variant classified as pathogenic in the context of metachromatic leukodystrophy. M89Cfs*19 has been observed in a case with relevant disease (PMID: 14571263). Relevant functional assessments of this variant are not available in the literature. M89Cfs*19 has not been observed in referenced population frequency databases. In summary, NM_000487.5(ARSA):c.264delC(M89Cfs*19) is a frameshift variant in a gene where loss of function is a known mechanism of disease, is predicted to disrupt protein function, and has been observed more frequently in cases with the relevant disease than in healthy populations. Please note: this variant was assessed in the context of healthy population screening.

Natera, Inc.
Classification: Pathogenic for Metachromatic leukodystrophy. Last evaluated: 2025-03-31. Review status: criteria provided, single submitter. Criteria: Natera Variant Classification Schema (03/2026). Collection method: clinical testing. Allele origin: germline.
Comment: The c.264del variant in ARSA is a frameshift variant predicted to shift the reading frame beginning at codon 89 and leads to a stop codon 19 codons downstream. This variant is expected to result in nonsense mediated decay, truncation, or a dysfunctional protein product. This variant is rare in the general population with a frequency below the threshold expected for the associated phenotype(s). This variant has been observed in one or more individuals affected with the associated recessive disease, as either homozygous or compound heterozygous with a second variant (PMID: 14571263). Given the available evidence, this variant is classified as Pathogenic.

Literature cited by the submitters: PubMed 14571263 (cited by Myriad Genetics, Inc. and Natera, Inc.).

NM_000487.6(ARSA):c.264del (p.Met89fs)

Gene: ARSA (arylsulfatase A; minus strand). Cytogenetic location: 22q13.33.
Variant type: Deletion.
Coding change: c.264del on transcript NM_000487.6 (MANE Select); coding-DNA position 264, one base deleted (C; older notation c.264delC).
Protein change: p.Met89fs; shifts the reading frame from methionine 89.
Molecular consequence: frameshift variant.
Genome position (GRCh38, 1-based): chr22:50,627,367, G deleted on the plus strand (C on the coding strand, the reverse complement: ARSA is on the minus strand). VCF-style (leftmost placement, unchanged base first): chr22-50627366-TG-T. GRCh37 (hg19) VCF-style: chr22-51065794-TG-T.
Other names: c.264del, p.Met89fs (NM_001085425.3, NM_001085426.3, NM_001085427.3); c.6del, p.Met3fs (NM_001085428.3, NM_001362782.2); short protein forms M3fs, M89fs.
Identifiers: ClinVar variation 4060871 (VCV004060871.3).